The following is an entry in ClinVar:

ClinVar aggregate classification (germline): Pathogenic. Review status: reviewed by expert panel (3 of 4 stars). 4 submissions from 4 submitters: Pathogenic (1). 3 of the submissions do not count toward it. Last evaluated 2016-09-08.

Conditions:
Breast-ovarian cancer, familial, susceptibility to, 1 (BROVCA1). Also called: BRCA1 Hereditary Breast and Ovarian Cancer; OVARIAN CANCER, SUSCEPTIBILITY TO. Identifiers: Orphanet 145, MedGen C2676676, MONDO:0011450, OMIM 604370. Disease mechanism: loss of function.
Hereditary breast ovarian cancer syndrome. Also called: BRCA1- and BRCA2-Associated Hereditary Breast and Ovarian Cancer; Hereditary breast and ovarian cancer syndrome; Hereditary breast and ovarian cancer syndrome (HBOC); Breast and ovarian cancer; Hereditary breast and/or ovarian cancer syndrome; Hereditary breast and ovarian cancer. Identifiers: Orphanet 145, MedGen C0677776, MeSH D061325, MONDO:0003582. Disease mechanism: loss of function.

Submissions (4):

Evidence-based Network for the Interpretation of Germline Mutant Alleles (ENIGMA)
Classification: Pathogenic for Breast-ovarian cancer, familial, susceptibility to, 1. Last evaluated: 2016-09-08. Review status: reviewed by expert panel. Criteria: ENIGMA BRCA1/2 Classification Criteria (2015). Collection method: curation. Allele origin: germline.
Comment: Variant allele predicted to encode a truncated non-functional protein.

Consortium of Investigators of Modifiers of BRCA1/2 (CIMBA), c/o University of Cambridge
Classification: Pathogenic for Breast-ovarian cancer, familial, susceptibility to, 1. Last evaluated: 2015-10-02. Review status: criteria provided, single submitter. Criteria: CIMBA Mutation Classification guidelines May 2016. Collection method: clinical testing. Allele origin: germline. Not counted in ClinVar's aggregate classification.

Research Molecular Genetics Laboratory, Women's College Hospital, University of Toronto
Classification: Pathogenic for Hereditary breast ovarian cancer syndrome. Last evaluated: 2014-01-31. Review status: no assertion criteria provided. Collection method: research. Allele origin: germline. Affected: yes. Study: The Canadian Open Genetics Repository (COGR). Not counted in ClinVar's aggregate classification.

Breast Cancer Information Core (BIC) (BRCA1)
Classification: Pathogenic for Breast-ovarian cancer, familial 1. Last evaluated: 2002-05-29. Review status: no assertion criteria provided. Collection method: clinical testing. Allele origin: germline. Affected: yes. Observed: 3 variant alleles. Not counted in ClinVar's aggregate classification.

NM_007294.4(BRCA1):c.3760_3761insT (p.Lys1254fs)

Genes: BRCA1 (BRCA1 DNA repair associated; minus strand), LOC126862571 (BRD4-independent group 4 enhancer GRCh37_chr17:41243136-41244335; plus strand). Cytogenetic location: 17q21.31.
Variant type: Insertion.
Coding change: c.3760_3761insT on transcript NM_007294.4 (MANE Select); coding-DNA positions 3760 to 3761, T inserted.
Protein change: p.Lys1254fs; shifts the reading frame from lysine 1254.
Molecular consequence: frameshift variant. On other transcripts: intron variant (135).
Genome position: GRCh38 VCF-style: chr17-43091770-T-TA. GRCh37 (hg19) VCF-style: chr17-41243787-T-TA.
Other names: 3879insT; c.3760_3761insT, p.Lys1254fs (NM_001407585.1, NM_001407593.1, NM_001407594.1 and 30 more transcripts); c.3757_3758insT, p.Lys1253fs (NM_001407587.1, NM_001407590.1, NM_001407591.1 and 22 more transcripts); c.3751_3752insT, p.Lys1251fs (NM_001407646.1, NM_001407647.1); c.3637_3638insT, p.Lys1213fs (NM_001407648.1, NM_001407664.1, NM_001407665.1 and 19 more transcripts); c.3634_3635insT, p.Lys1212fs (NM_001407649.1, NM_001407670.1, NM_001407671.1 and 11 more transcripts); c.3682_3683insT, p.Lys1228fs (NM_001407653.1, NM_001407654.1, NM_001407655.1 and 4 more transcripts); c.3679_3680insT, p.Lys1227fs (NM_001407659.1, NM_001407660.1, NM_001407661.1 and 1 more transcripts); and 42 more; short protein forms K1207fs, K1254fs, K1086fs, K1127fs, K1143fs, K1166fs, K1213fs, K1227fs.
Identifiers: ClinVar variation 54995 (VCV000054995.5), dbSNP rs80357986, ClinGen allele CA002414.